The following is an entry in ClinVar:

NM_000384.3(APOB):c.373G>A (p.Ala125Thr)

Gene: APOB (apolipoprotein B; minus strand). Cytogenetic location: 2p24.1.
Variant type: single nucleotide variant.
Coding change: c.373G>A on transcript NM_000384.3 (MANE Select); coding-DNA position 373, G replaced by A.
Protein change: p.Ala125Thr; replaces alanine 125 with threonine.
Molecular consequence: missense variant.
Genome position (GRCh38, 1-based): chr2:21,040,948, C>T on the plus strand (G>A on the coding strand, the complement: APOB is on the minus strand). VCF-style: chr2-21040948-C-T. GRCh37 (hg19) VCF-style: chr2-21263820-C-T.
Other names: short protein forms A125T.
Identifiers: ClinVar variation 3932661 (VCV003932661.1).

ClinVar aggregate classification (germline): Uncertain significance (1 of 4 stars; one submission).

Conditions:
Cardiovascular phenotype. Identifiers: MedGen CN230736.

Submission:

Ambry Genetics
Classification: Uncertain significance for Cardiovascular phenotype. Last evaluated: 2025-03-31. Review status: criteria provided, single submitter. Criteria: Ambry Variant Classification Scheme 2023. Collection method: clinical testing. Allele origin: germline.
Comment: The p.A125T variant (also known as c.373G>A), located in coding exon 4 of the APOB gene, results from a G to A substitution at nucleotide position 373. The alanine at codon 125 is replaced by threonine, an amino acid with similar properties. This amino acid position is conserved. In addition, this alteration is predicted to be tolerated by in silico analysis. Based on the available evidence, the clinical significance of this variant remains unclear.